The following is an entry in ClinVar:

NM_007129.5(ZIC2):c.399C>T (p.Gly133=)

Gene: ZIC2 (Zic family zinc finger 2; plus strand). Cytogenetic location: 13q32.3.
Variant type: single nucleotide variant.
Coding change: c.399C>T on transcript NM_007129.5 (MANE Select); coding-DNA position 399, C replaced by T.
Protein change: p.Gly133=; no amino-acid change (glycine 133 retained).
Molecular consequence: synonymous variant.
Genome position (GRCh38, 1-based): chr13:99,982,463, C>T. VCF-style: chr13-99982463-C-T. GRCh37 (hg19) VCF-style: chr13-100634717-C-T.
Other names: c.399C>T (NM_007129.3).
Identifiers: ClinVar variation 3020320 (VCV003020320.4), dbSNP rs942721626, ClinGen allele CA255394414.

ClinVar aggregate classification (germline): Likely benign. Review status: criteria provided, multiple submitters, no conflicts (2 of 4 stars). 2 submissions from 2 submitters: Likely benign (2). Last evaluated 2026-08-18.

Conditions:
Holoprosencephaly 5 (HPE5). Identifiers: Orphanet 2162, MedGen C1864827, MONDO:0012322, OMIM 609637.
ZIC2-related disorder. Also called: ZIC2-related condition.

Allele frequency attached by ClinVar (database versions not stated): gnomAD exomes below 0.00001; gnomAD 0.00002; TOPMed 0.00002.

Submissions (2):

PreventionGenetics, part of Exact Sciences
Classification: Likely benign for ZIC2-related condition. Last evaluated: 2026-08-18. Review status: criteria provided, single submitter. Criteria: ACMG Guidelines, 2015. Collection method: clinical testing. Allele origin: germline.
Comment: This variant is classified as likely benign based on ACMG/AMP sequence variant interpretation guidelines (Richards et al. 2015 PMID: 25741868, with internal and published modifications).

Labcorp Genetics (formerly Invitae), Labcorp
Classification: Likely benign for Holoprosencephaly 5. Last evaluated: 2023-09-08. Review status: criteria provided, single submitter. Criteria: Invitae Variant Classification Sherloc (09022015). Collection method: clinical testing. Allele origin: germline.